The following is an entry in ClinVar:

NM_033087.4(ALG2):c.399C>G (p.Ile133Met)

Gene: ALG2 (ALG2 alpha-1,3/1,6-mannosyltransferase; minus strand). Cytogenetic location: 9q22.33.
Variant type: single nucleotide variant.
Coding change: c.399C>G on transcript NM_033087.4 (MANE Select); coding-DNA position 399, C replaced by G.
Protein change: p.Ile133Met; replaces isoleucine 133 with methionine.
Molecular consequence: missense variant. On other transcripts: non-coding transcript variant (1).
Genome position (GRCh38, 1-based): chr9:99,218,786, G>C on the plus strand (C>G on the coding strand, the complement: ALG2 is on the minus strand). VCF-style: chr9-99218786-G-C. GRCh37 (hg19) VCF-style: chr9-101981068-G-C.
Other names: short protein forms I133M.
Identifiers: ClinVar variation 533478 (VCV000533478.10), dbSNP rs371772900, ClinGen allele CA5156329.

ClinVar aggregate classification (germline): Uncertain significance. Review status: criteria provided, multiple submitters, no conflicts (2 of 4 stars). 2 submissions from 2 submitters: Uncertain significance (2). Last evaluated 2022-09-06.

Conditions:
Inborn genetic diseases. Identifiers: MedGen C0950123, MeSH D030342.
Congenital myasthenic syndrome 14. Also called: Myasthenic syndrome, congenital, 14, with tubular aggregates. Identifiers: Orphanet 353327, Orphanet 590, MedGen C4015597, MONDO:0014543, OMIM 616228.
Congenital disorder of glycosylation, type Ii. Also called: ALG2-congenital disorder of glycosylation; ALG2-CDG; CDG Ii. Identifiers: Orphanet 79326, MedGen C1842836, MONDO:0011933, OMIM 607906.

Allele frequency attached by ClinVar (database versions not stated): gnomAD exomes 0.00001; TOPMed 0.00018; ExAC 0.00005; ESP Exome Variant Server 0.00008; gnomAD 0.00019.
gnomAD v4.1: 42 of 1,611,548 alleles (0.0026%); highest among the groups gnomAD compares: African/African-American, 0.053%; no homozygotes.

Submissions (2):

Ambry Genetics
Classification: Uncertain significance for Inborn genetic diseases. Last evaluated: 2022-09-06. Review status: criteria provided, single submitter. Criteria: Ambry Variant Classification Scheme 2023. Collection method: clinical testing. Allele origin: germline.

Labcorp Genetics (formerly Invitae), Labcorp
Classification: Uncertain significance for Congenital disorder of glycosylation, type Ii; Congenital myasthenic syndrome 14. Last evaluated: 2022-07-16. Review status: criteria provided, single submitter. Criteria: Invitae Variant Classification Sherloc (09022015). Collection method: clinical testing. Allele origin: germline.
Comment: This variant has not been reported in the literature in individuals affected with ALG2-related conditions. This sequence change replaces isoleucine, which is neutral and non-polar, with methionine, which is neutral and non-polar, at codon 133 of the ALG2 protein (p.Ile133Met). This variant is present in population databases (rs371772900, gnomAD 0.07%). ClinVar contains an entry for this variant (Variation ID: 533478). Algorithms developed to predict the effect of missense changes on protein structure and function are either unavailable or do not agree on the potential impact of this missense change (SIFT: "Deleterious"; PolyPhen-2: "Possibly Damaging"; Align-GVGD: "Class C0"). In summary, the available evidence is currently insufficient to determine the role of this variant in disease. Therefore, it has been classified as a Variant of Uncertain Significance.